The following is an entry in ClinVar:

ClinVar aggregate classification (germline): Pathogenic/Likely pathogenic. Review status: criteria provided, multiple submitters, no conflicts (2 of 4 stars). 21 submissions from 18 submitters: Pathogenic (11); Likely pathogenic (7). 3 of the submissions do not count toward it. Last evaluated 2026-02-28.

Conditions:
CFTR-related disorder (CFTR-RD). Also called: CFTR-related disorders; CFTR-related condition. Identifiers: MedGen C5924204, MONDO:7770004.
Congenital bilateral aplasia of vas deferens from CFTR mutation (CBAVD). Identifiers: Orphanet 48, MedGen C0403814, MONDO:0010178, OMIM 277180. Disease mechanism: loss of function.
Cystic fibrosis (CF). Also called: MUCOVISCIDOSIS. Identifiers: Orphanet 586, MedGen C0010674, MONDO:0009061, OMIM 219700. Disease mechanism: loss of function.
Hereditary pancreatitis (PCTT). Also called: PRSS1-Related Hereditary Pancreatitis; Hereditary chronic pancreatitis. Identifiers: Orphanet 676, MedGen C0238339, MONDO:0008185, OMIM 167800.
Bronchiectasis with or without elevated sweat chloride 1 (BESC1). Also called: Cystic Fibrosis-Like Syndrome. Identifiers: Orphanet 60033, MedGen C2749757, MONDO:0008887, OMIM 211400.
Obstructive azoospermia. Identifiers: MedGen C4023106, HP:0011962.

Allele frequency attached by ClinVar (database versions not stated): ExAC 0.00001; gnomAD exomes 0.00002; TOPMed 0.00002; ESP Exome Variant Server 0.00008.
gnomAD v4.1: 29 of 1,613,562 alleles (0.0018%); highest among the groups gnomAD compares: Non-Finnish European, 0.0025%; no homozygotes.

Submissions 1 to 9 of 21:

GeneDx
Classification: Likely pathogenic. Last evaluated: 2026-02-28. Review status: criteria provided, single submitter. Criteria: GeneDx Variant Classification Process June 2021. Collection method: clinical testing. Allele origin: germline.
Comment: Published functional studies demonstrate a damaging effect (PMID: 29805046, 30046002); In silico analysis supports that this missense variant has a deleterious effect on protein structure/function; Not observed at significant frequency in large population cohorts (gnomAD); Classified as a variant of varying clinical consequence in a well-curated database (CFTR2); This variant is associated with the following publications: (PMID: 12133923, 28603918, 9272157, 27171515, 30046002, 11883825, 16801189, 19318035, 30888834, 21538969, 17407489, 21520337, 17329263, 23883480, 35523714, 35451201, 35913788, 34782259, 31808782, 39233118, 31776420, 38388235, 29805046, 28736296, 20059485, 26277102, 17407485, 11504857, 26755536, 25910067, 19406970, 40261935, 36650664, 38003474)

Labcorp Genetics (formerly Invitae), Labcorp
Classification: Pathogenic for Cystic fibrosis. Last evaluated: 2026-01-08. Review status: criteria provided, single submitter. Criteria: Invitae Variant Classification Sherloc (09022015). Collection method: clinical testing. Allele origin: germline.
Comment: This sequence change replaces tyrosine, which is neutral and polar, with cysteine, which is neutral and slightly polar, at codon 1032 of the CFTR protein (p.Tyr1032Cys). This variant is present in population databases (rs144055758, gnomAD 0.004%). This missense change has been observed in individuals with congenital absence of the vas deferens or cystic fibrosis (PMID: 9272157, 17329263, 19406970, 21520337, 23883480). ClinVar contains an entry for this variant (Variation ID: 35861). Invitae Evidence Modeling of protein sequence and biophysical properties (such as structural, functional, and spatial information, amino acid conservation, physicochemical variation, residue mobility, and thermodynamic stability) indicates that this missense variant is expected to disrupt CFTR protein function with a positive predictive value of 80%. Experimental studies have shown that this missense change affects CFTR function (PMID: 29805046). For these reasons, this variant has been classified as Pathogenic.

Ambry Genetics
Classification: Likely pathogenic for Cystic fibrosis. Last evaluated: 2025-11-07. Review status: criteria provided, single submitter. Criteria: Ambry Variant Classification Scheme 2023. Collection method: clinical testing. Allele origin: germline.
Comment: The p.Y1032C variant (also known as c.3095A>G), located in coding exon 19 of the CFTR gene, results from an A to G substitution at nucleotide position 3095. The tyrosine at codon 1032 is replaced by cysteine, an amino acid with highly dissimilar properties. This variant has been identified in the homozygous state and/or in conjunction with other CFTR variant(s) in individual(s) with features consistent with cystic fibrosis (D&ouml;rk T et al. Hum. Genet., 1997 Sep;100:365-77; Ren CL et al. Pediatr. Pulmonol., 2011 Nov;46:1079-84; Leonardi S et al. J Med Case Rep, 2013 Jul;7:188). In CFBE cells, this variant showed reduced CFTR function compared to wild type (Raraigh KS et al. Am. J. Hum. Genet., 2018 06;102:1062-1077; Han ST et al. JCI Insight, 2018 Jul;3(14):pii 121159). The p.Y1032C alteration has been reported as a variant of varying clinical consequences (VVCC) (Sosnay PR et al. Pediatr. Clin. North Am., 2016 08;63:585-98; Raraigh KS et al. Am. J. Hum. Genet., 2018 06;102:1062-1077). This amino acid position is highly conserved in available vertebrate species. In addition, this alteration is predicted to be deleterious by in silico analysis. Based on the majority of available evidence to date, this variant is likely to be pathogenic.

Natera, Inc.
Classification: Likely pathogenic for CFTR-related disorders. Last evaluated: 2025-10-24. Review status: criteria provided, single submitter. Criteria: Natera Variant Classification Schema (03/2026). Collection method: clinical testing. Allele origin: germline.
Comment: The c.3095A>G variant in CFTR is a missense variant predicted to cause substitution of tyrosine to cysteine at amino acid 1032. This variant is rare in the general population with a frequency below the threshold expected for the associated phenotype(s). This variant has been observed in one or more individuals affected with the associated recessive disease, as either homozygous or compound heterozygous with a second variant (PMID: 25910067, 30888834, 19406970). Functional studies show that this variant may disrupt protein function (PMID: 30046002, 38388235). Computational prediction algorithms indicate this variant is likely to affect gene or protein function. Given the available evidence, this variant is classified as Likely Pathogenic.

Dasa
Classification: Pathogenic. Last evaluated: 2025-10-02. Review status: criteria provided, single submitter. Criteria: DASA Assertion Criteria. Collection method: clinical testing. Allele origin: germline.
Comment: NM_000492.4(CFTR):c.3095A>G (p.Tyr1032Cys) is a missense variant that results in the substitution of tyrosine with cysteine. This variant has been observed in affected individuals with related phenotype in a genotype context consistent with recessive disease (PMID: 29805046). Functional evidence supports a deleterious effect on the gene or gene product (PMID: 29805046). This variant has been reported in individuals with related phenotype (PMID: 29805046). Multiple computational predictions support a deleterious effect on the gene or gene product. The variant is present at low frequency in population datasets. Based on the available data, this variant is classified as pathogenic.

Quest Diagnostics Nichols Institute San Juan Capistrano
Classification: Likely pathogenic. Last evaluated: 2025-02-26. Review status: criteria provided, single submitter. Criteria: Quest Diagnostics criteria. Collection method: clinical testing. Allele origin: unknown.
Comment: In the published literature, the variant has been reported in individuals affected with Cystic Fibrosis or Cystic Fibrosis related disorders (CFRD) in the published literature (PMIDs: 30888834 (2019), 27171515 (2016), 26277102 (2015), 25910067 (2015), 21538969 (2011), 21520337 (2011), 19406970 (2009)). In addition, this variant has been shown to affect CFTR chloride conductance function (PMIDs: 30046002 (2018), 29805046 (2018)). The frequency of this variant in the general population (Genome Aggregation Database) is uninformative in the assessment of its pathogenicity. Based on the available information, this variant is classified as likely pathogenic.

PreventionGenetics, part of Exact Sciences
Classification: Likely pathogenic for CFTR-related condition. Last evaluated: 2025-02-12. Review status: criteria provided, single submitter. Criteria: ACMG Guidelines, 2015. Collection method: clinical testing. Allele origin: germline.
Comment: The CFTR c.3095A>G variant is predicted to result in the amino acid substitution p.Tyr1032Cys. This variant has been reported in the compound heterozygous state with established pathogenic variants in numerous patients with CFTR-related disorders including congenital bilateral absence of the vas deferens (Doerk et al 1997. PubMed ID: 9272157; Ratbi I et al 2007. PubMed ID: 17329263; Steiner B et al 2011. PubMed ID: 21520337; Patients 552, 1401, 2822, and 3100 in CFTR-France database) and chronic pancreatitis (Palermo JJ et al 2016. PubMed ID: 27171515; Leonardi S et al 2013. PubMed ID: 23883480). The c.3095A>G variant has been reported as a variant of variable clinical consequences in 16 patients who also carried an ACMG-PI variant in CFTR, 27% of which are reported as pancreatic insufficient. These individuals had an intermediate elevated sweat chloride level of 57 mEq/L on average compared to 96 mEq/L for all patients in the CFTR2 database with two CF-causing variants. Multiple functional studies in human airway epithelial cell lines indicate that the p.Tyr1032Cys variant exhibits significantly reduced function compared to wild-type, ranging from approximately 10-20% (Raraigh KS et al 2018. PubMed ID: 29805046; Han ST et al 2018. PubMed ID: 30046002; McCague AF et al 2019. PubMed ID: 30888834). This variant is reported in 0.0026% of alleles in individuals of European (Non-Finnish) descent in gnomAD, and is interpreted as likely pathogenic or pathogenic by multiple laboratories in ClinVar. Based on the available evidence, this variant is interpreted as likely pathogenic.

Blueprint Genetics
Classification: Pathogenic for CFTR-related disorders. Last evaluated: 2024-09-20. Review status: criteria provided, single submitter. Criteria: ACMG Guidelines, 2015. Collection method: clinical testing. Allele origin: germline. Affected: yes. Observed: 2 variant alleles.

Fulgent Genetics
Classification: Pathogenic for Hereditary pancreatitis; Bronchiectasis with or without elevated sweat chloride 1; Cystic fibrosis; Congenital bilateral aplasia of vas deferens from CFTR mutation. Last evaluated: 2024-03-13. Review status: criteria provided, single submitter. Criteria: ACMG Guidelines, 2015. Collection method: clinical testing. Allele origin: germline.

NM_000492.4(CFTR):c.3095A>G (p.Tyr1032Cys)

Genes: CFTR (CF transmembrane conductance regulator; plus strand), CFTR-AS2 (CFTR antisense RNA 2; minus strand), LOC111674472 (DNase I hypersensitive sites in introns 16 and 17a of CFTR; plus strand). Cytogenetic location: 7q31.2.
Variant type: single nucleotide variant.
Coding change: c.3095A>G on transcript NM_000492.4 (MANE Select); coding-DNA position 3095, A replaced by G.
Protein change: p.Tyr1032Cys; replaces tyrosine 1032 with cysteine.
Molecular consequence: missense variant.
Genome position (GRCh38, 1-based): chr7:117,610,625, A>G. VCF-style: chr7-117610625-A-G. GRCh37 (hg19) VCF-style: chr7-117250679-A-G.
Other names: short protein forms Y1032C.
Identifiers: ClinVar variation 35861 (VCV000035861.51), dbSNP rs144055758, ClinGen allele CA325705.